The following is an entry in ClinVar:

NM_002878.4(RAD51D):c.263+1631C>T

Genes: RAD51D (RAD51 paralog D; minus strand), RAD51L3-RFFL (RAD51L3-RFFL readthrough; minus strand). Cytogenetic location: 17q12.
Variant type: single nucleotide variant.
Coding change: c.263+1631C>T on transcript NM_002878.4 (MANE Select); 1631 bases into the intron after coding-DNA position 263, C replaced by T.
Molecular consequence: intron variant. On other transcripts: synonymous variant (1).
Genome position (GRCh38, 1-based): chr17:35,116,870, G>A on the plus strand (C>T on the coding strand, the complement: RAD51D is on the minus strand). VCF-style: chr17-35116870-G-A. GRCh37 (hg19) VCF-style: chr17-33443889-G-A.
Other names: c.312C>T, p.Val104= (NM_001142571.2); c.144+2241C>T (NM_133629.3).
Identifiers: ClinVar variation 2647659 (VCV002647659.24), dbSNP rs553120392, ClinGen allele CA8499566.

ClinVar aggregate classification (germline): Likely benign (1 of 4 stars; one submission).

gnomAD v4.1: 42 of 1,550,616 alleles (0.0027%); highest among the groups gnomAD compares: South Asian, 0.043%; 1 homozygote.

Submission:

CeGaT Center for Human Genetics Tuebingen
Classification: Likely benign. Last evaluated: 2022-11-01. Review status: criteria provided, single submitter. Criteria: CeGaT Center For Human Genetics Tuebingen Variant Classification Criteria Version 2. Collection method: clinical testing. Allele origin: germline. Affected: yes. Observed: 1 variant allele.
Comment: RAD51D: BP4, BP7